The following is an entry in ClinVar:

ClinVar aggregate classification (germline): Uncertain significance (1 of 4 stars; one submission).

Conditions:
MC4R-related disorder. Also called: MC4R-related condition.

Submission:

PreventionGenetics, part of Exact Sciences
Classification: Uncertain significance for MC4R-related condition. Last evaluated: 2025-01-14. Review status: criteria provided, single submitter. Criteria: ACMG Guidelines, 2015. Collection method: clinical testing. Allele origin: germline.
Comment: The MC4R c.914G>T variant is predicted to result in the amino acid substitution p.Arg305Leu. To our knowledge, this variant has not been reported in the literature. This variant is reported in 0.0062% of alleles in individuals of African descent in gnomAD. Two different substitutions affecting the same amino acid (p.Arg305Trp and p.Arg305Gln) have been reported in association with obesity and are classified as likely pathogenic and VUS, respectively (see for example Lubrano-Berthelier et al. 2003. PubMed ID: 12851297 and Reinehr et al. 2009. PubMed ID: 18997677). At this time, the clinical significance of the c.914G>T (p.Arg305Leu) variant is uncertain due to the absence of conclusive functional and genetic evidence.

NM_005912.3(MC4R):c.914G>T (p.Arg305Leu)

Gene: MC4R (melanocortin 4 receptor; minus strand). Cytogenetic location: 18q21.32.
Variant type: single nucleotide variant.
Coding change: c.914G>T on transcript NM_005912.3 (MANE Select); coding-DNA position 914, G replaced by T.
Protein change: p.Arg305Leu; replaces arginine 305 with leucine.
Molecular consequence: missense variant.
Genome position (GRCh38, 1-based): chr18:60,371,436, C>A on the plus strand (G>T on the coding strand, the complement: MC4R is on the minus strand). VCF-style: chr18-60371436-C-A. GRCh37 (hg19) VCF-style: chr18-58038669-C-A.
Other names: short protein forms R305L.
Identifiers: ClinVar variation 4990244 (VCV004990244.1).
Genomic context (GRCh38, chr18:60,371,436, plus strand): 5'-AGGCCTCCCAGGGGATAGCAACAGATGATCTCTTTGAAGGTTTTCCTCAGTTCTTGACTC[C>A]GGAGTGCATAAATCAGAGGATCGATGATTGAATTACACATGATCAGTATGAGATACAAGT-3'
Protein context (NP_005903.2, residues 295-315): SIIDPLIYAL[Arg305Leu]SQELRKTFKE